The following is an entry in ClinVar:

NM_138395.4(MARS2):c.1243A>C (p.Ile415Leu)

Gene: MARS2 (methionyl-tRNA synthetase 2, mitochondrial; plus strand). Cytogenetic location: 2q33.1.
Variant type: single nucleotide variant.
Coding change: c.1243A>C on transcript NM_138395.4 (MANE Select); coding-DNA position 1243, A replaced by C.
Protein change: p.Ile415Leu; replaces isoleucine 415 with leucine.
Molecular consequence: missense variant.
Genome position (GRCh38, 1-based): chr2:197,706,648, A>C. VCF-style: chr2-197706648-A-C. GRCh37 (hg19) VCF-style: chr2-198571372-A-C.
Other names: short protein forms I415L.
Identifiers: ClinVar variation 1963433 (VCV001963433.5), dbSNP rs761791613, ClinGen allele CA350214281.

ClinVar aggregate classification (germline): Uncertain significance (1 of 4 stars; one submission).

Submission:

Labcorp Genetics (formerly Invitae), Labcorp
Classification: Uncertain significance. Last evaluated: 2021-12-29. Review status: criteria provided, single submitter. Criteria: Invitae Variant Classification Sherloc (09022015). Collection method: clinical testing. Allele origin: germline.
Comment: In summary, the available evidence is currently insufficient to determine the role of this variant in disease. Therefore, it has been classified as a Variant of Uncertain Significance. Algorithms developed to predict the effect of missense changes on protein structure and function output the following: SIFT: "Tolerated"; PolyPhen-2: "Benign"; Align-GVGD: "Class C0". The leucine amino acid residue is found in multiple mammalian species, which suggests that this missense change does not adversely affect protein function. This variant has not been reported in the literature in individuals affected with MARS2-related conditions. This variant is not present in population databases (gnomAD no frequency). This sequence change replaces isoleucine, which is neutral and non-polar, with leucine, which is neutral and non-polar, at codon 415 of the MARS2 protein (p.Ile415Leu).